The following is an entry in ClinVar:

NM_000452.3(SLC10A2):c.378-4T>C

Gene: SLC10A2 (solute carrier family 10 member 2; minus strand). Cytogenetic location: 13q33.1.
Variant type: single nucleotide variant.
Coding change: c.378-4T>C on transcript NM_000452.3 (MANE Select); 4 bases into the intron before coding-DNA position 378, T replaced by C.
Molecular consequence: intron variant.
Genome position (GRCh38, 1-based): chr13:103,058,386, A>G on the plus strand (T>C on the coding strand, the complement: SLC10A2 is on the minus strand). VCF-style: chr13-103058386-A-G. GRCh37 (hg19) VCF-style: chr13-103710736-A-G.
Identifiers: ClinVar variation 1976999 (VCV001976999.5), dbSNP rs752682908, ClinGen allele CA7042246.

ClinVar aggregate classification (germline): Uncertain significance (1 of 4 stars; one submission).

Allele frequency attached by ClinVar (database versions not stated): gnomAD exomes below 0.00001; ExAC 0.00001; TOPMed 0.00002.
gnomAD v4.1: 5 of 1,572,056 alleles (0.00032%); highest among the groups gnomAD compares: Admixed American, 0.0033%; no homozygotes.

Submission:

Labcorp Genetics (formerly Invitae), Labcorp
Classification: Uncertain significance. Last evaluated: 2023-10-04. Review status: criteria provided, single submitter. Criteria: Invitae Variant Classification Sherloc (09022015). Collection method: clinical testing. Allele origin: germline.
Comment: This sequence change falls in intron 1 of the SLC10A2 gene. It does not directly change the encoded amino acid sequence of the SLC10A2 protein. This variant is present in population databases (rs752682908, gnomAD 0.006%). This variant has not been reported in the literature in individuals affected with SLC10A2-related conditions. ClinVar contains an entry for this variant (Variation ID: 1976999). Algorithms developed to predict the effect of sequence changes on RNA splicing suggest that this variant may disrupt the consensus splice site. In summary, the available evidence is currently insufficient to determine the role of this variant in disease. Therefore, it has been classified as a Variant of Uncertain Significance.